The following is an entry in ClinVar:

ClinVar aggregate classification (germline): Uncertain significance (1 of 4 stars; one submission).

Submission:

Labcorp Genetics (formerly Invitae), Labcorp
Classification: Uncertain significance. Last evaluated: 2022-10-13. Review status: criteria provided, single submitter. Criteria: Invitae Variant Classification Sherloc (09022015). Collection method: clinical testing. Allele origin: germline.
Comment: This sequence change replaces leucine, which is neutral and non-polar, with serine, which is neutral and polar, at codon 442 of the F11 protein (p.Leu442Ser). This variant is not present in population databases (gnomAD no frequency). This variant has not been reported in the literature in individuals affected with F11-related conditions. Advanced modeling of protein sequence and biophysical properties (such as structural, functional, and spatial information, amino acid conservation, physicochemical variation, residue mobility, and thermodynamic stability) performed at Invitae indicates that this missense variant is expected to disrupt F11 protein function. In summary, the available evidence is currently insufficient to determine the role of this variant in disease. Therefore, it has been classified as a Variant of Uncertain Significance.

NM_000128.4(F11):c.1325T>C (p.Leu442Ser)

Gene: F11 (coagulation factor XI; plus strand). Cytogenetic location: 4q35.2.
Variant type: single nucleotide variant.
Coding change: c.1325T>C on transcript NM_000128.4 (MANE Select); coding-DNA position 1325, T replaced by C.
Protein change: p.Leu442Ser; replaces leucine 442 with serine.
Molecular consequence: missense variant.
Genome position (GRCh38, 1-based): chr4:186,285,658, T>C. VCF-style: chr4-186285658-T-C. GRCh37 (hg19) VCF-style: chr4-187206812-T-C.
Other names: short protein forms L442S.
Identifiers: ClinVar variation 2420097 (VCV002420097.3), dbSNP rs2477404386, ClinGen allele CA358942959.